The following is an entry in ClinVar:

ClinVar aggregate classification (germline): Likely benign. Review status: criteria provided, multiple submitters, no conflicts (2 of 4 stars). 2 submissions from 2 submitters: Likely benign (2). Last evaluated 2025-09-03.

Conditions:
Kleefstra syndrome 1 (KLEFS1). Identifiers: Orphanet 261494, MedGen C0795833, MONDO:0027407, OMIM 610253.

Allele frequency attached by ClinVar (database versions not stated): gnomAD exomes below 0.00001; TOPMed 0.00002; gnomAD 0.00003; ExAC 0.00002.
gnomAD v4.1: 11 of 1,610,894 alleles (0.00068%); highest among the groups gnomAD compares: African/African-American, 0.0067%; no homozygotes.

Submissions (2):

Women's Health and Genetics/Laboratory Corporation of America, LabCorp
Classification: Likely benign. Last evaluated: 2025-09-03. Review status: criteria provided, single submitter. Criteria: LabCorp Variant Classification Summary - May 2015. Collection method: clinical testing. Allele origin: germline.
Comment: Variant summary: EHMT1 c.3290C>T (p.Ala1097Val) results in a non-conservative amino acid change in the encoded protein sequence. Algorithms developed to predict the effect of missense changes on protein structure and function are either unavailable or do not agree on the potential impact of this missense change. The variant allele was found at a frequency of 6.8e-06 in 1610894 control chromosomes. To our knowledge, no occurrence of c.3290C>T in individuals affected with EHMT1-related conditions and no experimental evidence demonstrating its impact on protein function have been reported. ClinVar contains an entry for this variant (Variation ID: 2413745). Based on the evidence outlined above, the variant was classified as likely benign.

Labcorp Genetics (formerly Invitae), Labcorp
Classification: Likely benign for Kleefstra syndrome 1. Last evaluated: 2023-10-15. Review status: criteria provided, single submitter. Criteria: Invitae Variant Classification Sherloc (09022015). Collection method: clinical testing. Allele origin: germline.

NM_024757.5(EHMT1):c.3290C>T (p.Ala1097Val)

Gene: EHMT1 (euchromatic histone lysine methyltransferase 1; plus strand). Cytogenetic location: 9q34.3.
Variant type: single nucleotide variant.
Coding change: c.3290C>T on transcript NM_024757.5 (MANE Select); coding-DNA position 3290, C replaced by T.
Protein change: p.Ala1097Val; replaces alanine 1097 with valine.
Molecular consequence: missense variant.
Genome position (GRCh38, 1-based): chr9:137,815,978, C>T. VCF-style: chr9-137815978-C-T. GRCh37 (hg19) VCF-style: chr9-140710430-C-T.
Other names: c.3269C>T, p.Ala1090Val (NM_001354263.2); short protein forms A1090V, A1097V.
Identifiers: ClinVar variation 2413745 (VCV002413745.8), dbSNP rs753898115, ClinGen allele CA5375254.